The following is an entry in ClinVar:

NM_005220.3(DLX3):c.88C>A (p.Pro30Thr)

Gene: DLX3 (distal-less homeobox 3; minus strand). Cytogenetic location: 17q21.33.
Variant type: single nucleotide variant.
Coding change: c.88C>A on transcript NM_005220.3 (MANE Select); coding-DNA position 88, C replaced by A.
Protein change: p.Pro30Thr; replaces proline 30 with threonine.
Molecular consequence: missense variant.
Genome position (GRCh38, 1-based): chr17:49,994,911, G>T on the plus strand (C>A on the coding strand, the complement: DLX3 is on the minus strand). VCF-style: chr17-49994911-G-T. GRCh37 (hg19) VCF-style: chr17-48072275-G-T.
Other names: short protein forms P30T.
Identifiers: ClinVar variation 2993322 (VCV002993322.3), dbSNP rs2544351291, ClinGen allele CA400179236.

ClinVar aggregate classification (germline): Uncertain significance (1 of 4 stars; one submission).

Submission:

Labcorp Genetics (formerly Invitae), Labcorp
Classification: Uncertain significance. Last evaluated: 2023-08-02. Review status: criteria provided, single submitter. Criteria: Invitae Variant Classification Sherloc (09022015). Collection method: clinical testing. Allele origin: germline.
Comment: In summary, the available evidence is currently insufficient to determine the role of this variant in disease. Therefore, it has been classified as a Variant of Uncertain Significance. An algorithm developed to predict the effect of missense changes on protein structure and function (PolyPhen-2) suggests that this variant is likely to be disruptive. This variant has not been reported in the literature in individuals affected with DLX3-related conditions. This variant is not present in population databases (gnomAD no frequency). This sequence change replaces proline, which is neutral and non-polar, with threonine, which is neutral and polar, at codon 30 of the DLX3 protein (p.Pro30Thr).